The following is an entry in ClinVar:

NM_006736.6(DNAJB2):c.454T>C (p.Ser152Pro)

Gene: DNAJB2 (DnaJ heat shock protein family (Hsp40) member B2; plus strand). Cytogenetic location: 2q35.
Variant type: single nucleotide variant.
Coding change: c.454T>C on transcript NM_006736.6 (MANE Select); coding-DNA position 454, T replaced by C.
Protein change: p.Ser152Pro; replaces serine 152 with proline.
Molecular consequence: missense variant.
Genome position (GRCh38, 1-based): chr2:219,283,141, T>C. VCF-style: chr2-219283141-T-C. GRCh37 (hg19) VCF-style: chr2-220147863-T-C.
Other names: c.454T>C, p.Ser152Pro (NM_001039550.2); short protein forms S152P.
Identifiers: ClinVar variation 948188 (VCV000948188.12), dbSNP rs1951921760, ClinGen allele CA350650111.
Genomic context (GRCh38, chr2:219,283,141, plus strand): 5'-GCGCAGTCTTCTTCTAACCACCTCTCCTCCTCCTCCCTTGTCCCGATGCCAGATTTCTCC[T>C]CCTCATCTTTCTCCTTCAGTCCTGGGGCTGGTGCTTTTCGCTCTGTTTCTACATCTACCA-3'
Protein context (NP_006727.2, residues 142-162): SSFPGHSDFS[Ser152Pro]SSFSFSPGAG

ClinVar aggregate classification (germline): Uncertain significance. Review status: criteria provided, multiple submitters, no conflicts (2 of 4 stars). 2 submissions from 2 submitters: Uncertain significance (2). Last evaluated 2020-11-05.

Conditions:
Neuronopathy, distal hereditary motor, autosomal recessive 5. Also called: NEUROPATHY, DISTAL HEREDITARY MOTOR, AUTOSOMAL RECESSIVE 5; Spinal muscular atrophy, distal, autosomal recessive, 5; Young adult-onset distal hereditary motor neuropathy. Identifiers: Orphanet 314485, Orphanet 443950, MedGen C4749918, MONDO:0013947, OMIM 614881.
Inborn genetic diseases. Identifiers: MedGen C0950123, MeSH D030342.

Allele frequency attached by ClinVar (database versions not stated): gnomAD exomes below 0.00001.

Submissions (2):

Labcorp Genetics (formerly Invitae), Labcorp
Classification: Uncertain significance for Neuronopathy, distal hereditary motor, autosomal recessive 5. Last evaluated: 2020-11-05. Review status: criteria provided, single submitter. Criteria: Invitae Variant Classification Sherloc (09022015). Collection method: clinical testing. Allele origin: germline.
Comment: This sequence change replaces serine with proline at codon 152 of the DNAJB2 protein (p.Ser152Pro). The serine residue is highly conserved and there is a moderate physicochemical difference between serine and proline. In summary, the available evidence is currently insufficient to determine the role of this variant in disease. Therefore, it has been classified as a Variant of Uncertain Significance. Algorithms developed to predict the effect of missense changes on protein structure and function (SIFT, PolyPhen-2, Align-GVGD) all suggest that this variant is likely to be tolerated, but these predictions have not been confirmed by published functional studies and their clinical significance is uncertain. This variant has not been reported in the literature in individuals with DNAJB2-related conditions. This variant is not present in population databases (ExAC no frequency).

Ambry Genetics
Classification: Uncertain significance for Inborn genetic diseases. Last evaluated: 2019-12-26. Review status: criteria provided, single submitter. Criteria: Ambry Variant Classification Scheme 2023. Collection method: clinical testing. Allele origin: germline.
Comment: The p.S152P variant (also known as c.454T>C), located in coding exon 6 of the DNAJB2 gene, results from a T to C substitution at nucleotide position 454. The serine at codon 152 is replaced by proline, an amino acid with similar properties. This amino acid position is not well conserved in available vertebrate species. In addition, this alteration is predicted to be tolerated by in silico analysis. Since supporting evidence is limited at this time, the clinical significance of this alteration remains unclear.